The following is an entry in ClinVar:

NM_000075.4(CDK4):c.728C>A (p.Ser243Tyr)

Genes: CDK4 (cyclin dependent kinase 4; minus strand), TSPAN31 (tetraspanin 31; plus strand). Cytogenetic location: 12q14.1.
Variant type: single nucleotide variant.
Coding change: c.728C>A on transcript NM_000075.4 (MANE Select); coding-DNA position 728, C replaced by A.
Protein change: p.Ser243Tyr; replaces serine 243 with tyrosine.
Molecular consequence: missense variant. On other transcripts: 3 prime UTR variant (3).
Genome position (GRCh38, 1-based): chr12:57,749,273, G>T on the plus strand (C>A on the coding strand, the complement: CDK4 is on the minus strand). VCF-style: chr12-57749273-G-T. GRCh37 (hg19) VCF-style: chr12-58143056-G-T.
Other names: c.*1983G>T (NM_001330168.2, NM_001330169.2, NM_005981.5); short protein forms S243Y.
Identifiers: ClinVar variation 233133 (VCV000233133.5), dbSNP rs876660217, ClinGen allele CA10579434.

ClinVar aggregate classification (germline): Uncertain significance (1 of 4 stars; one submission).

Conditions:
Hereditary cancer-predisposing syndrome. Also called: Neoplastic Syndromes, Hereditary; Tumor predisposition; Hereditary Cancer Syndrome; Hereditary neoplastic syndrome. Identifiers: Orphanet 140162, MedGen C0027672, MeSH D009386, MONDO:0015356.

Submission:

Ambry Genetics
Classification: Uncertain significance for Hereditary cancer-predisposing syndrome. Last evaluated: 2015-07-30. Review status: criteria provided, single submitter. Criteria: Ambry Variant Classification Scheme 2023. Collection method: clinical testing. Allele origin: germline.
Comment: The p.S243Y variant (also known as c.728C>A), located in coding exon 6 of the CDK4 gene, results from a C to A substitution at nucleotide position 728. The serine at codon 243 is replaced by tyrosine, an amino acid with dissimilar properties. This variant was not reported in population based cohorts in the following databases: Database of Single Nucleotide Polymorphisms (dbSNP), NHLBI Exome Sequencing Project (ESP), and 1000 Genomes Project. In the ESP, this variant was not observed in 6503 samples (13006 alleles) with coverage at this position. To date, this alteration has been detected with an allele frequency of approximately 0.01% (greater than 17000 alleles tested) in our clinical cohort. This amino acid position is well conserved in available vertebrate species. In addition, this alteration is predicted to be tolerated by in silico analysis. Since supporting evidence is limited at this time, the clinical significance of p.S243Y remains unclear.